The following is an entry in ClinVar:

ClinVar aggregate classification (germline): Likely benign (1 of 4 stars; one submission).

Submission:

Mayo Clinic Laboratories, Mayo Clinic
Classification: Likely benign. Last evaluated: 2025-08-29. Review status: criteria provided, single submitter. Criteria: ACMG Guidelines, 2015. Collection method: clinical testing. Allele origin: germline. Observed: 1 variant allele.
Comment: BP4, BP7, PM2_supporting

NM_000090.4(COL3A1):c.843T>C (p.Pro281=)

Gene: COL3A1 (collagen type III alpha 1 chain; plus strand). Cytogenetic location: 2q32.2.
Variant type: single nucleotide variant.
Coding change: c.843T>C on transcript NM_000090.4 (MANE Select); coding-DNA position 843, T replaced by C.
Protein change: p.Pro281=; no amino-acid change (proline 281 retained).
Molecular consequence: synonymous variant.
Genome position (GRCh38, 1-based): chr2:188,991,048, T>C. VCF-style: chr2-188991048-T-C. GRCh37 (hg19) VCF-style: chr2-189855774-T-C.
Other names: p.Pro281=.
Identifiers: ClinVar variation 4684628 (VCV004684628.1).